The following is an entry in ClinVar:

ClinVar aggregate classification (germline): Pathogenic (1 of 4 stars; one submission).

Conditions:
Recessive dystrophic epidermolysis bullosa (RDEB). Also called: DYSTROPHIC EPIDERMOLYSIS BULLOSA, AUTOSOMAL RECESSIVE; EPIDERMOLYSIS BULLOSA DYSTROPHICA, HALLOPEAU-SIEMENS TYPE; Hallopeau-Siemens Disease; severe generalized recessive dystrophic epidermolysis bullosa; EPIDERMOLYSIS BULLOSA DYSTROPHICA, GENERALIZED SEVERE, AUTOSOMAL RECESSIVE; Epidermolysis Bullosa Distrophica Autosomal Recessive (RDEB). Identifiers: Orphanet 79408, Orphanet 79409, MedGen C0079474, MONDO:0009179, OMIM 226600.

Submission:

Myriad Genetics, Inc.
Classification: Pathogenic for Recessive dystrophic epidermolysis bullosa. Last evaluated: 2025-02-17. Review status: criteria provided, single submitter. Criteria: Myriad Autosomal Dominant, Autosomal Recessive and X-Linked Classification Criteria (2023). Collection method: clinical testing. Allele origin: unknown.
Comment: NM_000094.3(COL7A1):c.5001dupG(P1668Afs*4) is expected to be pathogenic in the context of dystrophic epidermolysis bullosa. This variant is predicted to lead to an abnormal or absent protein product due to the creation of a premature termination codon in COL7A1, a gene where loss-of-function variants are known to be pathogenic. Please note: this variant was assessed in the context of healthy population screening.

NM_000094.4(COL7A1):c.5001dup (p.Pro1668fs)

Gene: COL7A1 (collagen type VII alpha 1 chain; minus strand). Cytogenetic location: 3p21.31.
Variant type: Duplication.
Coding change: c.5001dup on transcript NM_000094.4 (MANE Select); coding-DNA position 5001, one base duplicated (G; older notation c.5001dupG).
Protein change: p.Pro1668fs; shifts the reading frame from proline 1668.
Molecular consequence: frameshift variant.
Genome position (GRCh38, 1-based): chr3:48,580,632, C duplicated on the plus strand (G on the coding strand, the reverse complement: COL7A1 is on the minus strand); the first of 5 consecutive C bases (chr3:48,580,632-48,580,636); duplicating any one gives the same sequence. VCF-style (leftmost placement, unchanged base first): chr3-48580631-G-GC. GRCh37 (hg19) VCF-style: chr3-48618064-G-GC.
Other names: short protein forms P1668fs.
Identifiers: ClinVar variation 5014105 (VCV005014105.1).